The following is an entry in ClinVar:

NM_015506.3(MMACHC):c.202C>T (p.Gln68Ter)

Gene: MMACHC (metabolism of cobalamin associated C; plus strand). Cytogenetic location: 1p34.1.
Variant type: single nucleotide variant.
Coding change: c.202C>T on transcript NM_015506.3 (MANE Select); coding-DNA position 202, C replaced by T.
Protein change: p.Gln68Ter; replaces glutamine 68 with a stop codon.
Molecular consequence: nonsense.
Genome position (GRCh38, 1-based): chr1:45,507,476, C>T. VCF-style: chr1-45507476-C-T. GRCh37 (hg19) VCF-style: chr1-45973148-C-T.
Other names: c.31C>T, p.Gln11Ter (NM_001330540.2); short protein forms Q11*, Q68*.
Identifiers: ClinVar variation 813349 (VCV000813349.2), dbSNP rs1570829862, ClinGen allele CA340131805.
Genomic context (GRCh38, chr1:45,507,476, plus strand): 5'-CTGGCCTTCCTGGTACTCAGCACGCCTGCCATGTTTGACCGGGCCCTCAAGCCCTTCTTG[C>T]AGAGCTGCCACCTCCGAATGCTGACTGACCCAGTGGACCAGTGTGTGGCCTACCATCTGG-3'

ClinVar aggregate classification (germline): Pathogenic/Likely pathogenic. Review status: criteria provided, multiple submitters, no conflicts (2 of 4 stars). 2 submissions from 2 submitters: Pathogenic (1); Likely pathogenic (1). Last evaluated 2026-09-02.

Conditions:
Cobalamin C disease. Also called: methylmalonic aciduria and homocystinuria type cblC; Methylmalonic aciduria with homocystinuria cblC type; Cobalamin-C methylmalonic acidemia and homocystinuria; Methylmalonic acidemia and homocystinuria cblC type; Methylmalonic aciduria and homocystinuria, Vitamin B12-responsive; Vitamin B12 metabolic defect with combined deficiency of methylmalonyl-CoA mutase and homocysteine:methyltetrahydrofolate methyltransferase. Identifiers: Orphanet 26, Orphanet 79282, MedGen C1848561, MONDO:0010184, OMIM 277400.

Submissions (2):

Institute of Human Genetics, Heidelberg University
Classification: Pathogenic for Cobalamin C disease. Last evaluated: 2026-09-02. Review status: criteria provided, single submitter. Criteria: ACMG Guidelines, 2015. Collection method: clinical testing. Allele origin: biparental. Affected: yes. Observed: 3 variant alleles.
Comment: PM3_supp, PM2_supp, PVS1_vs

Baylor Genetics
Classification: Likely pathogenic for Cobalamin C disease. Review status: criteria provided, single submitter. Criteria: ACMG Guidelines, 2015. Collection method: clinical testing. Allele origin: germline.